The following is an entry in ClinVar:

NM_005458.8(GABBR2):c.2672G>A (p.Arg891Gln)

Gene: GABBR2 (gamma-aminobutyric acid type B receptor subunit 2; minus strand). Cytogenetic location: 9q22.33.
Variant type: single nucleotide variant.
Coding change: c.2672G>A on transcript NM_005458.8 (MANE Select); coding-DNA position 2672, G replaced by A.
Protein change: p.Arg891Gln; replaces arginine 891 with glutamine.
Molecular consequence: missense variant.
Genome position (GRCh38, 1-based): chr9:98,290,738, C>T on the plus strand (G>A on the coding strand, the complement: GABBR2 is on the minus strand). VCF-style: chr9-98290738-C-T. GRCh37 (hg19) VCF-style: chr9-101053020-C-T.
Other names: c.2672G>A (NM_005458.7); short protein forms R891Q.
Identifiers: ClinVar variation 1995623 (VCV001995623.5), dbSNP rs1287904056, ClinGen allele CA374209886.
Genomic context (GRCh38, chr9:98,290,738, plus strand): 5'-TCCACGCCTCCGATGGATGGGAGGTAGGCGTGGTGGAGGATGGGGAGCTGGAGGGACAGC[C>T]GACGCTGGATGCTGAAGAGAAGGAGAGGGAGGAGTGTTAGTGAAGGGTAGCTGGGCGCTT-3'
Protein context (NP_005449.5, residues 881-901): DINSPEHIQR[Arg891Gln]LSLQLPILHH

ClinVar aggregate classification (germline): Uncertain significance. Review status: criteria provided, single submitter (1 of 4 stars). 2 submissions from 2 submitters: Uncertain significance (1). 1 of the submissions does not count toward it. Last evaluated 2025-12-01.

Conditions:
Epileptic encephalopathy. Identifiers: MedGen C0543888, HP:0200134.
GABBR2-related disorder. Also called: GABBR2-related condition; GABBR2-related disorders.

Allele frequency attached by ClinVar (database versions not stated): TOPMed below 0.00001; gnomAD 0.00001.
gnomAD v4.1: 3 of 1,484,632 alleles (0.0002%); highest among the groups gnomAD compares: South Asian, 0.0015%; no homozygotes.

Submissions (2):

Labcorp Genetics (formerly Invitae), Labcorp
Classification: Uncertain significance for Epileptic encephalopathy. Last evaluated: 2025-12-01. Review status: criteria provided, single submitter. Criteria: Invitae Variant Classification Sherloc (09022015). Collection method: clinical testing. Allele origin: germline.
Comment: This sequence change replaces arginine, which is basic and polar, with glutamine, which is neutral and polar, at codon 891 of the GABBR2 protein (p.Arg891Gln). This variant is not present in population databases (gnomAD no frequency). This variant has not been reported in the literature in individuals affected with GABBR2-related conditions. ClinVar contains an entry for this variant (Variation ID: 1995623). An algorithm developed to predict the effect of missense changes on protein structure and function (PolyPhen-2) suggests that this variant is likely to be disruptive. In summary, the available evidence is currently insufficient to determine the role of this variant in disease. Therefore, it has been classified as a Variant of Uncertain Significance.

PreventionGenetics, part of Exact Sciences
Classification: Uncertain significance for GABBR2-related condition. Last evaluated: 2024-08-05. Review status: no assertion criteria provided. Collection method: clinical testing. Allele origin: germline. Not counted in ClinVar's aggregate classification.
Comment: The GABBR2 c.2672G>A variant is predicted to result in the amino acid substitution p.Arg891Gln. To our knowledge, this variant has not been reported in the literature or in a large population database, indicating this variant is rare. At this time, the clinical significance of this variant is uncertain due to the absence of conclusive functional and genetic evidence.